The following is an entry in ClinVar:

ClinVar aggregate classification (germline): Uncertain significance (1 of 4 stars; one submission).

gnomAD v4.1: 10 of 1,209,098 alleles (0.00083%); highest among the groups gnomAD compares: Non-Finnish European, 0.0011%; no homozygotes.

Submission:

GeneDx
Classification: Uncertain significance. Last evaluated: 2025-05-30. Review status: criteria provided, single submitter. Criteria: GeneDx Variant Classification Process June 2021. Collection method: clinical testing. Allele origin: germline. Affected: yes.
Comment: Not observed at significant frequency in large population cohorts (gnomAD); In silico analysis suggests that this missense variant does not alter protein structure/function; Has not been previously published as pathogenic or benign to our knowledge

NM_001368397.1(FRMPD4):c.3013A>G (p.Lys1005Glu)

Gene: FRMPD4 (FERM and PDZ domain containing 4; plus strand). Cytogenetic location: Xp22.2.
Variant type: single nucleotide variant.
Coding change: c.3013A>G on transcript NM_001368397.1 (MANE Select); coding-DNA position 3013, A replaced by G.
Protein change: p.Lys1005Glu; replaces lysine 1005 with glutamic acid.
Molecular consequence: missense variant.
Genome position (GRCh38, 1-based): chrX:12,717,839, A>G. VCF-style: chrX-12717839-A-G. GRCh37 (hg19) VCF-style: chrX-12735958-A-G.
Other names: c.3124A>G, p.Lys1042Glu (NM_001368395.3, NM_001368398.3); c.3019A>G, p.Lys1007Glu (NM_001368396.3); c.3004A>G, p.Lys1002Glu (NM_001368399.3); c.2893A>G, p.Lys965Glu (NM_001368400.3); c.2989A>G, p.Lys997Glu (NM_001368401.1, NM_001368402.3); c.3013A>G, p.Lys1005Glu (NM_014728.3); short protein forms K1002E, K1005E, K1007E, K1042E, K965E, K997E.
Identifiers: ClinVar variation 4532740 (VCV004532740.1).
Genomic context (GRCh38, chrX:12,717,839, plus strand): 5'-CCTTCCAAGCAGTTACTTCACTCAGACCACATGGAGATGGAGCCTGAAACTATGGAGACT[A>G]AGTCGGTCACTGACTATTTTAGCAAACTGCACATGGGGTCGGTGGCATACTCCTGCACTA-3'
Protein context (NP_001355326.1, residues 995-1015): MEMEPETMET[Lys1005Glu]SVTDYFSKLH